The following is an entry in ClinVar:

NM_004562.3(PRKN):c.859C>G (p.Leu287Val)

Gene: PRKN (parkin RBR E3 ubiquitin protein ligase; minus strand). Cytogenetic location: 6q26.
Variant type: single nucleotide variant.
Coding change: c.859C>G on transcript NM_004562.3 (MANE Select); coding-DNA position 859, C replaced by G.
Protein change: p.Leu287Val; replaces leucine 287 with valine.
Molecular consequence: missense variant.
Genome position (GRCh38, 1-based): chr6:161,785,784, G>C on the plus strand (C>G on the coding strand, the complement: PRKN is on the minus strand). VCF-style: chr6-161785784-G-C. GRCh37 (hg19) VCF-style: chr6-162206816-G-C.
Other names: c.775C>G, p.Leu259Val (NM_013987.3); c.412C>G, p.Leu138Val (NM_013988.3); short protein forms L287V, L259V, L138V.
Identifiers: ClinVar variation 1430744 (VCV001430744.6), dbSNP rs762130249, ClinGen allele CA4090200.
Genomic context (GRCh38, chr6:161,785,784, plus strand): 5'-CTGTTCTTCATTAGCATTAGAGATGGAGAGAAAACATGCTAGACTTACCCACACAAGGCA[G>C]GGAGTAGCCAAGTTGAGGGTCGTGAACAAACTGCCGATCATTGAGTCTTGTCACACAGTA-3'
Protein context (NP_004553.2, residues 277-297): FVHDPQLGYS[Leu287Val]PCVAGCPNSL

ClinVar aggregate classification (germline): Uncertain significance (1 of 4 stars; one submission).

Allele frequency attached by ClinVar (database versions not stated): gnomAD exomes below 0.00001; ExAC 0.00001; gnomAD 0.00003 and 0.00004.
gnomAD v4.1: 8 of 1,613,900 alleles (0.0005%); highest among the groups gnomAD compares: South Asian, 0.0011%; no homozygotes.

Submission:

Labcorp Genetics (formerly Invitae), Labcorp
Classification: Uncertain significance. Last evaluated: 2023-08-30. Review status: criteria provided, single submitter. Criteria: Invitae Variant Classification Sherloc (09022015). Collection method: clinical testing. Allele origin: germline.
Comment: In summary, the available evidence is currently insufficient to determine the role of this variant in disease. Therefore, it has been classified as a Variant of Uncertain Significance. Advanced modeling of protein sequence and biophysical properties (such as structural, functional, and spatial information, amino acid conservation, physicochemical variation, residue mobility, and thermodynamic stability) has been performed at Invitae for this missense variant, however the output from this modeling did not meet the statistical confidence thresholds required to predict the impact of this variant on PRKN protein function. ClinVar contains an entry for this variant (Variation ID: 1430744). This variant has not been reported in the literature in individuals affected with PRKN-related conditions. This variant is present in population databases (rs762130249, gnomAD 0.004%). This sequence change replaces leucine, which is neutral and non-polar, with valine, which is neutral and non-polar, at codon 287 of the PRKN protein (p.Leu287Val).